The following is an entry in ClinVar:

ClinVar aggregate classification (germline): Uncertain significance (1 of 4 stars; one submission).

Conditions:
Aortic aneurysm, familial thoracic 8 (AAT8). Identifiers: MedGen C3809513, MONDO:0014187, OMIM 615436.

Allele frequency attached by ClinVar (database versions not stated): gnomAD exomes below 0.00001; ExAC 0.00001.
gnomAD v4.1: 1 of 1,533,866 alleles (0.000065%); highest among the groups gnomAD compares: Admixed American, 0.0017%; no homozygotes.

Submission:

Labcorp Genetics (formerly Invitae), Labcorp
Classification: Uncertain significance for Aortic aneurysm, familial thoracic 8. Last evaluated: 2022-10-25. Review status: criteria provided, single submitter. Criteria: Invitae Variant Classification Sherloc (09022015). Collection method: clinical testing. Allele origin: germline.
Comment: This sequence change falls in intron 4 of the PRKG1 gene. It does not directly change the encoded amino acid sequence of the PRKG1 protein. It affects a nucleotide within the consensus splice site. This variant is present in population databases (rs777376364, gnomAD 0.003%). This variant has not been reported in the literature in individuals affected with PRKG1-related conditions. Variants that disrupt the consensus splice site are a relatively common cause of aberrant splicing (PMID: 17576681, 9536098). Algorithms developed to predict the effect of sequence changes on RNA splicing suggest that this variant is not likely to affect RNA splicing. In summary, the available evidence is currently insufficient to determine the role of this variant in disease. Therefore, it has been classified as a Variant of Uncertain Significance.

Literature cited by the submitters: PubMed 17576681; PubMed 9536098.

NM_006258.4(PRKG1):c.698+3A>G

Gene: PRKG1 (protein kinase cGMP-dependent 1; plus strand). Cytogenetic location: 10q21.1.
Variant type: single nucleotide variant.
Coding change: c.698+3A>G on transcript NM_006258.4 (MANE Select); 3 bases into the intron after coding-DNA position 698, A replaced by G.
Molecular consequence: intron variant.
Genome position (GRCh38, 1-based): chr10:51,804,693, A>G. VCF-style: chr10-51804693-A-G. GRCh37 (hg19) VCF-style: chr10-53564453-A-G.
Other names: c.653+3A>G (NM_001098512.3); c.698+3A>G (NM_001374782.1).
Identifiers: ClinVar variation 2043700 (VCV002043700.4), dbSNP rs777376364, ClinGen allele CA5503567.